The following is an entry in ClinVar:

NM_030770.4(TMPRSS5):c.1134C>T (p.Cys378=)

Genes: TMPRSS5 (transmembrane serine protease 5; minus strand), LOC126861343 (MED14-independent group 3 enhancer GRCh37_chr11:113560791-113561990; plus strand). Cytogenetic location: 11q23.2.
Variant type: single nucleotide variant.
Coding change: c.1134C>T on transcript NM_030770.4 (MANE Select); coding-DNA position 1134, C replaced by T.
Protein change: p.Cys378=; no amino-acid change (cysteine 378 retained).
Molecular consequence: synonymous variant. On other transcripts: non-coding transcript variant (2).
Genome position (GRCh38, 1-based): chr11:113,690,303, G>A on the plus strand (C>T on the coding strand, the complement: TMPRSS5 is on the minus strand). VCF-style: chr11-113690303-G-A. GRCh37 (hg19) VCF-style: chr11-113561025-G-A.
Other names: NC_000011.9:g.113561025G>A; c.795C>T, p.Cys265= (NM_001288749.2); c.1002C>T, p.Cys334= (NM_001288750.2); c.1107C>T, p.Cys369= (NM_001288751.2); c.927C>T, p.Cys309= (NM_001288752.2).
Identifiers: ClinVar variation 508576 (VCV000508576.3), dbSNP rs11214703, ClinGen allele CA6281615.

ClinVar aggregate classification (germline): Benign. Review status: criteria provided, multiple submitters, no conflicts (2 of 4 stars). 2 submissions from 2 submitters: Benign (2). Last evaluated 2017-09-13.

Allele frequency attached by ClinVar (database versions not stated): gnomAD exomes 0.07327; 1000 Genomes Project 30x 0.10962; TOPMed 0.05676; ExAC 0.10850; ESP Exome Variant Server 0.02017; 1000 Genomes Project 0.11422.

Submissions (16):

GeneDx
Classification: Benign. Last evaluated: 2017-09-13. Review status: criteria provided, single submitter. Criteria: GeneDx Variant Classification (06012015). Collection method: clinical testing. Allele origin: germline. Affected: yes.
Comment: This variant is considered likely benign or benign based on one or more of the following criteria: it is a conservative change, it occurs at a poorly conserved position in the protein, it is predicted to be benign by multiple in silico algorithms, and/or has population frequency not consistent with disease.

Breakthrough Genomics
Classification: Benign. Review status: criteria provided, single submitter. Criteria: ACMG Guidelines, 2015. Collection method: not provided. Allele origin: germline. Inheritance: Unknown mechanism. Affected: yes.

Dr. Peter K. Rogan Lab, Western University
No classification provided (evidence only). Condition: Lung cancer. Review status: no classification provided. Collection method: in vitro. Allele origin: not applicable. Functional consequence: retained intron. Not counted in ClinVar's aggregate classification.

Dr. Peter K. Rogan Lab, Western University
No classification provided (evidence only). Condition: Colon adenocarcinoma. Review status: no classification provided. Collection method: in vitro. Allele origin: not applicable. Functional consequence: retained intron. Not counted in ClinVar's aggregate classification.

Dr. Peter K. Rogan Lab, Western University
No classification provided (evidence only). Condition: Uterine corpus endometrial carcinoma. Review status: no classification provided. Collection method: in vitro. Allele origin: not applicable. Functional consequence: retained intron. Not counted in ClinVar's aggregate classification.

Dr. Peter K. Rogan Lab, Western University
No classification provided (evidence only). Condition: Uterine corpus endometrial carcinoma. Review status: no classification provided. Collection method: in vitro. Allele origin: not applicable. Functional consequence: retained intron. Not counted in ClinVar's aggregate classification.

Dr. Peter K. Rogan Lab, Western University
No classification provided (evidence only). Condition: Uterine corpus endometrial carcinoma. Review status: no classification provided. Collection method: in vitro. Allele origin: not applicable. Functional consequence: retained intron. Not counted in ClinVar's aggregate classification.

Dr. Peter K. Rogan Lab, Western University
No classification provided (evidence only). Condition: Malignant lymphoma, large B-cell, diffuse. Review status: no classification provided. Collection method: in vitro. Allele origin: not applicable. Functional consequence: retained intron. Not counted in ClinVar's aggregate classification.

Dr. Peter K. Rogan Lab, Western University
No classification provided (evidence only). Condition: Nonpapillary renal cell carcinoma. Review status: no classification provided. Collection method: in vitro. Allele origin: not applicable. Functional consequence: skipped exon. Not counted in ClinVar's aggregate classification.

Dr. Peter K. Rogan Lab, Western University
No classification provided (evidence only). Condition: Thymoma. Review status: no classification provided. Collection method: in vitro. Allele origin: not applicable. Functional consequence: retained intron. Not counted in ClinVar's aggregate classification.

Dr. Peter K. Rogan Lab, Western University
No classification provided (evidence only). Condition: Thymoma. Review status: no classification provided. Collection method: in vitro. Allele origin: not applicable. Functional consequence: retained intron. Not counted in ClinVar's aggregate classification.

Dr. Peter K. Rogan Lab, Western University
No classification provided (evidence only). Condition: Thymoma. Review status: no classification provided. Collection method: in vitro. Allele origin: not applicable. Functional consequence: retained intron. Not counted in ClinVar's aggregate classification.

Dr. Peter K. Rogan Lab, Western University
No classification provided (evidence only). Condition: Ovarian serous cystadenocarcinoma. Review status: no classification provided. Collection method: in vitro. Allele origin: not applicable. Functional consequence: retained intron. Not counted in ClinVar's aggregate classification.

Dr. Peter K. Rogan Lab, Western University
No classification provided (evidence only). Condition: Ovarian serous cystadenocarcinoma. Review status: no classification provided. Collection method: in vitro. Allele origin: not applicable. Functional consequence: retained intron. Not counted in ClinVar's aggregate classification.

Dr. Peter K. Rogan Lab, Western University
No classification provided (evidence only). Condition: Ovarian serous cystadenocarcinoma. Review status: no classification provided. Collection method: in vitro. Allele origin: not applicable. Functional consequence: retained intron. Not counted in ClinVar's aggregate classification.

Dr. Peter K. Rogan Lab, Western University
No classification provided (evidence only). Condition: Adrenocortical carcinoma, hereditary. Review status: no classification provided. Collection method: in vitro. Allele origin: not applicable. Functional consequence: retained intron. Not counted in ClinVar's aggregate classification.